The following is an entry in ClinVar:

ClinVar aggregate classification (germline): Uncertain significance (1 of 4 stars; one submission).

Conditions:
Primary ciliary dyskinesia. Also called: Ciliary dyskinesia. Identifiers: Orphanet 244, MedGen C0008780, MONDO:0016575, HP:0012265.

gnomAD v4.1: 3 of 1,613,966 alleles (0.00019%); highest among the groups gnomAD compares: Non-Finnish European, 0.00025%; no homozygotes.

Submission:

Labcorp Genetics (formerly Invitae), Labcorp
Classification: Uncertain significance for Primary ciliary dyskinesia. Last evaluated: 2022-05-18. Review status: criteria provided, single submitter. Criteria: Invitae Variant Classification Sherloc (09022015). Collection method: clinical testing. Allele origin: germline.
Comment: In summary, the available evidence is currently insufficient to determine the role of this variant in disease. Therefore, it has been classified as a Variant of Uncertain Significance. Algorithms developed to predict the effect of missense changes on protein structure and function are either unavailable or do not agree on the potential impact of this missense change (SIFT: "Deleterious"; PolyPhen-2: "Not Available"; Align-GVGD: "Class C15"). This variant has not been reported in the literature in individuals affected with DNAH8-related conditions. This variant is not present in population databases (gnomAD no frequency). This sequence change replaces glycine, which is neutral and non-polar, with valine, which is neutral and non-polar, at codon 3607 of the DNAH8 protein (p.Gly3607Val).

NM_001206927.2(DNAH8):c.10820G>T (p.Gly3607Val)

Genes: DNAH8 (dynein axonemal heavy chain 8; plus strand), DNAH8-AS1 (DNAH8 antisense RNA 1; minus strand). Cytogenetic location: 6p21.2.
Variant type: single nucleotide variant.
Coding change: c.10820G>T on transcript NM_001206927.2 (MANE Select); coding-DNA position 10820, G replaced by T.
Protein change: p.Gly3607Val; replaces glycine 3607 with valine.
Molecular consequence: missense variant.
Genome position (GRCh38, 1-based): chr6:38,924,020, G>T. VCF-style: chr6-38924020-G-T. GRCh37 (hg19) VCF-style: chr6-38891796-G-T.
Other names: c.10169G>T, p.Gly3390Val (NM_001371.4); short protein forms G3390V, G3607V.
Identifiers: ClinVar variation 2124585 (VCV002124585.4), dbSNP rs2533499134, ClinGen allele CA364013266.
Genomic context (GRCh38, chr6:38,924,020, plus strand): 5'-TTGGGGAGGGGGCTGTGTGTTTTCTTCACAGACTTGTAGGTGATATTCTGCTGTGCACGG[G>T]ATTCCTTTCCTACCTTGGTCCTTTCAATCAGATATTTAGGAACTATTTGCTTAAAGATCA-3'
Protein context (NP_001193856.1, residues 3597-3617): RLVGDILLCT[Gly3607Val]FLSYLGPFNQ